The following is an entry in ClinVar:

ClinVar aggregate classification (germline): Uncertain significance (1 of 4 stars; one submission).

Allele frequency attached by ClinVar (database versions not stated): gnomAD exomes 0.00001; TOPMed 0.00001; gnomAD 0.00003.
gnomAD v4.1: 12 of 1,613,768 alleles (0.00074%); highest among the groups gnomAD compares: East Asian, 0.0022%; no homozygotes.

Submission:

Labcorp Genetics (formerly Invitae), Labcorp
Classification: Uncertain significance. Last evaluated: 2021-09-01. Review status: criteria provided, single submitter. Criteria: Invitae Variant Classification Sherloc (09022015). Collection method: clinical testing. Allele origin: germline.
Comment: This sequence change replaces arginine with tryptophan at codon 641 of the PTPN23 protein (p.Arg641Trp). The arginine residue is moderately conserved and there is a moderate physicochemical difference between arginine and tryptophan. This variant is not present in population databases (ExAC no frequency). This variant has not been reported in the literature in individuals affected with PTPN23-related conditions. Algorithms developed to predict the effect of missense changes on protein structure and function are either unavailable or do not agree on the potential impact of this missense change (SIFT: "Deleterious"; PolyPhen-2: "Not Available"; Align-GVGD: "Class C0"). In summary, the available evidence is currently insufficient to determine the role of this variant in disease. Therefore, it has been classified as a Variant of Uncertain Significance.

NM_015466.4(PTPN23):c.1921C>T (p.Arg641Trp)

Gene: PTPN23 (protein tyrosine phosphatase non-receptor type 23; plus strand). Cytogenetic location: 3p21.31.
Variant type: single nucleotide variant.
Coding change: c.1921C>T on transcript NM_015466.4 (MANE Select); coding-DNA position 1921, C replaced by T.
Protein change: p.Arg641Trp; replaces arginine 641 with tryptophan.
Molecular consequence: missense variant.
Genome position (GRCh38, 1-based): chr3:47,409,540, C>T. VCF-style: chr3-47409540-C-T. GRCh37 (hg19) VCF-style: chr3-47451030-C-T.
Other names: c.1543C>T, p.Arg515Trp (NM_001304482.2); short protein forms R641W, R515W.
Identifiers: ClinVar variation 1398844 (VCV001398844.5), dbSNP rs1387784098, ClinGen allele CA352556339.